The following is an entry in ClinVar:

ClinVar aggregate classification (germline): Conflicting classifications of pathogenicity. Review status: criteria provided, conflicting classifications (1 of 4 stars). 3 submissions from 3 submitters: Uncertain significance (2); Likely benign (1). Last evaluated 2026-01-12.

Conditions:
Congenital stromal corneal dystrophy (CSCD). Identifiers: Orphanet 101068, MedGen C1864738, MONDO:0012401, OMIM 610048.
Inborn genetic diseases. Identifiers: MedGen C0950123, MeSH D030342.

Allele frequency attached by ClinVar (database versions not stated): TOPMed below 0.00001; gnomAD exomes 0.00001 and 0.00002; ExAC 0.00003.
gnomAD v4.1: 18 of 1,613,474 alleles (0.0011%); highest among the groups gnomAD compares: East Asian, 0.0045%; no homozygotes.

Submissions (3):

Labcorp Genetics (formerly Invitae), Labcorp
Classification: Uncertain significance. Last evaluated: 2026-01-12. Review status: criteria provided, single submitter. Criteria: Invitae Variant Classification Sherloc (09022015). Collection method: clinical testing. Allele origin: germline.
Comment: This sequence change replaces glycine, which is neutral and non-polar, with arginine, which is basic and polar, at codon 356 of the DCN protein (p.Gly356Arg). This variant is present in population databases (rs775666283, gnomAD 0.006%). This variant has not been reported in the literature in individuals affected with DCN-related conditions. ClinVar contains an entry for this variant (Variation ID: 883645). An algorithm developed to predict the effect of missense changes on protein structure and function (PolyPhen-2) suggests that this variant is likely to be disruptive. In summary, the available evidence is currently insufficient to determine the role of this variant in disease. Therefore, it has been classified as a Variant of Uncertain Significance.

Ambry Genetics
Classification: Uncertain significance for Inborn genetic diseases. Last evaluated: 2024-03-01. Review status: criteria provided, single submitter. Criteria: Ambry Variant Classification Scheme 2023. Collection method: clinical testing. Allele origin: germline.

Illumina Laboratory Services, Illumina
Classification: Likely benign for Congenital stromal corneal dystrophy. Last evaluated: 2018-01-13. Review status: criteria provided, single submitter. Criteria: ICSL Variant Classification Criteria 13 December 2019. Collection method: clinical testing. Allele origin: germline.
Comment: This variant was observed in the ICSL laboratory as part of a predisposition screen in an ostensibly healthy population. It had not been previously curated by ICSL or reported in the Human Gene Mutation Database (HGMD: prior to June 1st, 2018), and was therefore a candidate for classification through an automated scoring system. Utilizing variant allele frequency, disease prevalence and penetrance estimates, and inheritance mode, an automated score was calculated to assess if this variant is too frequent to cause the disease. Based on the score and internal cut-off values, a variant classified as likely benign is not then subjected to further curation. The score for this variant resulted in a classification of likely benign for this disease.

NM_001920.5(DCN):c.1066G>A (p.Gly356Arg)

Gene: DCN (decorin; minus strand). Cytogenetic location: 12q21.33.
Variant type: single nucleotide variant.
Coding change: c.1066G>A on transcript NM_001920.5 (MANE Select); coding-DNA position 1066, G replaced by A.
Protein change: p.Gly356Arg; replaces glycine 356 with arginine.
Molecular consequence: missense variant. On other transcripts: 3 prime UTR variant (1).
Genome position (GRCh38, 1-based): chr12:91,146,072, C>T on the plus strand (G>A on the coding strand, the complement: DCN is on the minus strand). VCF-style: chr12-91146072-C-T. GRCh37 (hg19) VCF-style: chr12-91539849-C-T.
Other names: c.1066G>A, p.Gly356Arg (NM_133503.4); c.739G>A, p.Gly247Arg (NM_133504.3); c.625G>A, p.Gly209Arg (NM_133505.3); c.505G>A, p.Gly169Arg (NM_133506.3); c.*164G>A (NM_133507.3); short protein forms G169R, G209R, G247R, G356R.
Identifiers: ClinVar variation 883645 (VCV000883645.6), dbSNP rs775666283, ClinGen allele CA6716870.